The following is an entry in ClinVar:

ClinVar aggregate classification (germline): Uncertain significance (1 of 4 stars; one submission).

Conditions:
Tuberous sclerosis 2 (TSC2). Identifiers: Orphanet 805, MedGen C1860707, MONDO:0013199, OMIM 613254.

Submission:

Labcorp Genetics (formerly Invitae), Labcorp
Classification: Uncertain significance for Tuberous sclerosis 2. Last evaluated: 2024-07-30. Review status: criteria provided, single submitter. Criteria: Invitae Variant Classification Sherloc (09022015). Collection method: clinical testing. Allele origin: germline.
Comment: This sequence change replaces leucine, which is neutral and non-polar, with valine, which is neutral and non-polar, at codon 1018 of the TSC2 protein (p.Leu1018Val). This variant is not present in population databases (gnomAD no frequency). This variant has not been reported in the literature in individuals affected with TSC2-related conditions. Advanced modeling of protein sequence and biophysical properties (such as structural, functional, and spatial information, amino acid conservation, physicochemical variation, residue mobility, and thermodynamic stability) performed at Invitae indicates that this missense variant is not expected to disrupt TSC2 protein function with a negative predictive value of 95%. In summary, the available evidence is currently insufficient to determine the role of this variant in disease. Therefore, it has been classified as a Variant of Uncertain Significance.

NM_000548.5(TSC2):c.3052C>G (p.Leu1018Val)

Gene: TSC2 (TSC complex subunit 2; plus strand). Cytogenetic location: 16p13.3.
Variant type: single nucleotide variant.
Coding change: c.3052C>G on transcript NM_000548.5 (MANE Select); coding-DNA position 3052, C replaced by G.
Protein change: p.Leu1018Val; replaces leucine 1018 with valine.
Molecular consequence: missense variant. On other transcripts: non-coding transcript variant (5).
Genome position (GRCh38, 1-based): chr16:2,079,117, C>G. VCF-style: chr16-2079117-C-G. GRCh37 (hg19) VCF-style: chr16-2129118-C-G.
Other names: c.2452C>G, p.Leu818Val (NM_001406682.1, NM_001406683.1, NM_001406680.1); c.2449C>G, p.Leu817Val (NM_001406684.1); c.2323C>G, p.Leu775Val (NM_001406685.1, NM_001406686.1); c.2320C>G, p.Leu774Val (NM_001406687.1, NM_001406688.1, NM_001318831.2); c.1708C>G, p.Leu570Val (NM_001406689.1); c.1579C>G, p.Leu527Val (NM_001406690.1, NM_001406692.1, NM_001406693.1 and 1 more transcripts); c.1576C>G, p.Leu526Val (NM_001406691.1, NM_001406695.1, NM_001406696.1 and 1 more transcripts); c.2920C>G, p.Leu974Val (NM_001077183.3, NM_001370404.1, NM_001406665.1); and 18 more; short protein forms L1004V, L1005V, L1017V, L1018V, L440V, L526V, L527V, L570V.
Identifiers: ClinVar variation 3627089 (VCV003627089.2).
Genomic context (GRCh38, chr16:2,079,117, plus strand): 5'-GCCAGCTTGGGGTCTGCAGATGAGAACTCCGTGGCCCAGGCTGACGATAGCCTGAAAAAC[C>G]TCCACCTGGAGCTCACGGAAACCTGTCTGGACATGATGGCTCGATACGTCTTCTCCAACT-3'
Protein context (NP_000539.2, residues 1008-1028): VAQADDSLKN[Leu1018Val]HLELTETCLD